The following is an entry in ClinVar:

NM_001033855.3(DCLRE1C):c.1805A>G (p.Tyr602Cys)

Gene: DCLRE1C (DNA cross-link repair 1C; minus strand). Cytogenetic location: 10p13.
Variant type: single nucleotide variant.
Coding change: c.1805A>G on transcript NM_001033855.3 (MANE Select); coding-DNA position 1805, A replaced by G.
Protein change: p.Tyr602Cys; replaces tyrosine 602 with cysteine.
Molecular consequence: missense variant. On other transcripts: non-coding transcript variant (3), intron variant (3).
Genome position (GRCh38, 1-based): chr10:14,908,682, T>C on the plus strand (A>G on the coding strand, the complement: DCLRE1C is on the minus strand). VCF-style: chr10-14908682-T-C. GRCh37 (hg19) VCF-style: chr10-14950681-T-C.
Other names: c.1445A>G, p.Tyr482Cys (NM_001033857.3, NM_001033858.3, NM_001289077.2 and 1 more transcripts); c.1460A>G, p.Tyr487Cys (NM_001289076.2, NM_001289078.2, NM_022487.4); c.1437+23A>G (NM_001350966.2); c.1782+23A>G (NM_001350965.2); c.1422+23A>G (NM_001350967.2); short protein forms Y602C, Y482C, Y487C.
Identifiers: ClinVar variation 1372472 (VCV001372472.4), dbSNP rs774102624, ClinGen allele CA5416402.

ClinVar aggregate classification (germline): Uncertain significance (1 of 4 stars; one submission).

Conditions:
Severe combined immunodeficiency due to DCLRE1C deficiency (RS-SCID). Also called: SCID, AUTOSOMAL RECESSIVE, T CELL-NEGATIVE, B CELL-NEGATIVE, NK CELL-POSITIVE, WITH SENSITIVITY TO IONIZING RADIATION. Identifiers: Orphanet 275, MedGen C1865371, MONDO:0011225, OMIM 602450.

Allele frequency attached by ClinVar (database versions not stated): ExAC 0.00001.

Submission:

Labcorp Genetics (formerly Invitae), Labcorp
Classification: Uncertain significance for Athabaskan severe combined immunodeficiency. Last evaluated: 2021-11-25. Review status: criteria provided, single submitter. Criteria: Invitae Variant Classification Sherloc (09022015). Collection method: clinical testing. Allele origin: germline.
Comment: In summary, the available evidence is currently insufficient to determine the role of this variant in disease. Therefore, it has been classified as a Variant of Uncertain Significance. Algorithms developed to predict the effect of missense changes on protein structure and function output the following: SIFT: "Tolerated"; PolyPhen-2: "Benign"; Align-GVGD: "Class C0". The cysteine amino acid residue is found in multiple mammalian species, which suggests that this missense change does not adversely affect protein function. This variant has not been reported in the literature in individuals affected with DCLRE1C-related conditions. This variant is present in population databases (rs774102624, gnomAD 0.0009%). This sequence change replaces tyrosine, which is neutral and polar, with cysteine, which is neutral and slightly polar, at codon 602 of the DCLRE1C protein (p.Tyr602Cys).